The following is an entry in ClinVar:

NM_001291303.3(FAT4):c.14462G>A (p.Cys4821Tyr)

Gene: FAT4 (FAT atypical cadherin 4; plus strand). Cytogenetic location: 4q28.1.
Variant type: single nucleotide variant.
Coding change: c.14462G>A on transcript NM_001291303.3 (MANE Select); coding-DNA position 14462, G replaced by A.
Protein change: p.Cys4821Tyr; replaces cysteine 4821 with tyrosine.
Molecular consequence: missense variant.
Genome position (GRCh38, 1-based): chr4:125,491,278, G>A. VCF-style: chr4-125491278-G-A. GRCh37 (hg19) VCF-style: chr4-126412433-G-A.
Other names: c.14459G>A, p.Cys4820Tyr (NM_001291285.3); c.14456G>A, p.Cys4819Tyr (NM_024582.6); short protein forms C4819Y, C4821Y, C4820Y.
Identifiers: ClinVar variation 1936055 (VCV001936055.3), dbSNP rs889999062, ClinGen allele CA104876763.

ClinVar aggregate classification (germline): Uncertain significance (1 of 4 stars; one submission).

Allele frequency attached by ClinVar (database versions not stated): gnomAD 0.00003.
gnomAD v4.1: 21 of 1,614,032 alleles (0.0013%); highest among the groups gnomAD compares: Admixed American, 0.0017%; no homozygotes.

Submission:

Labcorp Genetics (formerly Invitae), Labcorp
Classification: Uncertain significance. Last evaluated: 2024-10-14. Review status: criteria provided, single submitter. Criteria: Invitae Variant Classification Sherloc (09022015). Collection method: clinical testing. Allele origin: germline.
Comment: This sequence change replaces cysteine, which is neutral and slightly polar, with tyrosine, which is neutral and polar, at codon 4819 of the FAT4 protein (p.Cys4819Tyr). This variant is present in population databases (no rsID available, gnomAD 0.003%). This variant has not been reported in the literature in individuals affected with FAT4-related conditions. ClinVar contains an entry for this variant (Variation ID: 1936055). Invitae Evidence Modeling of protein sequence and biophysical properties (such as structural, functional, and spatial information, amino acid conservation, physicochemical variation, residue mobility, and thermodynamic stability) indicates that this missense variant is not expected to disrupt FAT4 protein function with a negative predictive value of 95%. In summary, the available evidence is currently insufficient to determine the role of this variant in disease. Therefore, it has been classified as a Variant of Uncertain Significance.